The following is an entry in ClinVar:

ClinVar aggregate classification (germline): Uncertain significance (1 of 4 stars; one submission).

Conditions:
Inborn genetic diseases. Identifiers: MedGen C0950123, MeSH D030342.

Submission:

Ambry Genetics
Classification: Uncertain significance for Inborn genetic diseases. Last evaluated: 2019-12-31. Review status: criteria provided, single submitter. Criteria: Ambry Variant Classification Scheme 2023. Collection method: clinical testing. Allele origin: germline.
Comment: The p.D2496G variant (also known as c.7487A>G), located in coding exon 24 of the SETX gene, results from an A to G substitution at nucleotide position 7487. The aspartic acid at codon 2496 is replaced by glycine, an amino acid with similar properties. This amino acid position is not well conserved in available vertebrate species. In addition, the in silico prediction for this alteration is inconclusive. Since supporting evidence is limited at this time, the clinical significance of this alteration remains unclear.

NM_015046.7(SETX):c.7487A>G (p.Asp2496Gly)

Gene: SETX (senataxin; minus strand). Cytogenetic location: 9q34.13.
Variant type: single nucleotide variant.
Coding change: c.7487A>G on transcript NM_015046.7 (MANE Select); coding-DNA position 7487, A replaced by G.
Protein change: p.Asp2496Gly; replaces aspartic acid 2496 with glycine.
Molecular consequence: missense variant.
Genome position (GRCh38, 1-based): chr9:132,264,786, T>C on the plus strand (A>G on the coding strand, the complement: SETX is on the minus strand). VCF-style: chr9-132264786-T-C. GRCh37 (hg19) VCF-style: chr9-135140173-T-C.
Other names: c.7487A>G, p.Asp2496Gly (NM_001351527.2); c.7574A>G, p.Asp2525Gly (NM_001351528.2); short protein forms D2496G, D2525G.
Identifiers: ClinVar variation 1759120 (VCV001759120.2), dbSNP rs2538821958, ClinGen allele CA375325275.